The following is an entry in ClinVar:

ClinVar aggregate classification (germline): Uncertain significance. Review status: criteria provided, multiple submitters, no conflicts (2 of 4 stars). 2 submissions from 2 submitters: Uncertain significance (2). Last evaluated 2025-11-07.

Conditions:
FRMPD4-related disorder. Also called: FRMPD4-related condition.

gnomAD v4.1: 6 of 1,210,203 alleles (0.0005%); highest among the groups gnomAD compares: Non-Finnish European, 0.00067%; no homozygotes.

Submissions (2):

PreventionGenetics, part of Exact Sciences
Classification: Uncertain significance for FRMPD4-related condition. Last evaluated: 2025-11-07. Review status: criteria provided, single submitter. Criteria: ACMG Guidelines, 2015. Collection method: clinical testing. Allele origin: germline.
Comment: The FRMPD4 c.3428G>A variant is predicted to result in the amino acid substitution p.Gly1143Glu. To our knowledge, this variant has not been reported in the literature or in a large population database (gnomAD), indicating this variant is rare. At this time, the clinical significance of this variant is uncertain due to the absence of conclusive functional and genetic evidence.

Women's Health and Genetics/Laboratory Corporation of America, LabCorp
Classification: Uncertain significance. Last evaluated: 2024-03-25. Review status: criteria provided, single submitter. Criteria: LabCorp Variant Classification Summary - May 2015. Collection method: clinical testing. Allele origin: germline.
Comment: Variant summary: FRMPD4 c.3428G>A (p.Gly1143Glu) results in a non-conservative amino acid change in the encoded protein sequence. Four of five in-silico tools predict a benign effect of the variant on protein function. The variant was absent in 183353 control chromosomes. The available data on variant occurrences in the general population are insufficient to allow any conclusion about variant significance. To our knowledge, no occurrence of c.3428G>A in individuals affected with X-Linked Intellectual Disability 104 and no experimental evidence demonstrating its impact on protein function have been reported. No submitters have cited clinical-significance assessments for this variant to ClinVar. Based on the evidence outlined above, the variant was classified as uncertain significance.

NM_001368397.1(FRMPD4):c.3428G>A (p.Gly1143Glu)

Gene: FRMPD4 (FERM and PDZ domain containing 4; plus strand). Cytogenetic location: Xp22.2.
Variant type: single nucleotide variant.
Coding change: c.3428G>A on transcript NM_001368397.1 (MANE Select); coding-DNA position 3428, G replaced by A.
Protein change: p.Gly1143Glu; replaces glycine 1143 with glutamic acid.
Molecular consequence: missense variant.
Genome position (GRCh38, 1-based): chrX:12,718,254, G>A. VCF-style: chrX-12718254-G-A. GRCh37 (hg19) VCF-style: chrX-12736373-G-A.
Other names: c.3539G>A, p.Gly1180Glu (NM_001368395.3, NM_001368398.3); c.3434G>A, p.Gly1145Glu (NM_001368396.3); c.3419G>A, p.Gly1140Glu (NM_001368399.3); c.3308G>A, p.Gly1103Glu (NM_001368400.3); c.3404G>A, p.Gly1135Glu (NM_001368401.1, NM_001368402.3); c.3428G>A, p.Gly1143Glu (NM_014728.3); short protein forms G1103E, G1135E, G1140E, G1143E, G1145E, G1180E.
Identifiers: ClinVar variation 3233773 (VCV003233773.3), dbSNP rs200831430, ClinGen allele CA326084329.